The following is an entry in ClinVar:

ClinVar aggregate classification (germline): Conflicting classifications of pathogenicity. Review status: criteria provided, conflicting classifications (1 of 4 stars). 2 submissions from 2 submitters: Uncertain significance (1); Likely benign (1). Last evaluated 2025-07-14.

Conditions:
PCNT-related disorder. Also called: PCNT-related condition.

Allele frequency attached by ClinVar (database versions not stated): gnomAD exomes below 0.00001.
gnomAD v4.1: 2 of 1,606,762 alleles (0.00012%); highest among the groups gnomAD compares: African/African-American, 0.0027%; no homozygotes.

Submissions (2):

PreventionGenetics, part of Exact Sciences
Classification: Uncertain significance for PCNT-related condition. Last evaluated: 2025-07-14. Review status: criteria provided, single submitter. Criteria: ACMG Guidelines, 2015. Collection method: clinical testing. Allele origin: germline.
Comment: The PCNT c.9409C>G variant is predicted to result in the amino acid substitution p.Leu3137Val. To our knowledge, this variant has not been reported in the literature or in gnomAD, indicating this variant is rare. At this time, the clinical significance of this variant is uncertain due to the absence of conclusive functional and genetic evidence.

Genetic Services Laboratory, University of Chicago
Classification: Likely benign. Last evaluated: 2015-11-05. Review status: criteria provided, single submitter. Criteria: ACMG Guidelines, 2015. Collection method: clinical testing. Allele origin: germline. Affected: no.

NM_006031.6(PCNT):c.9409C>G (p.Leu3137Val)

Gene: PCNT (pericentrin; plus strand). Cytogenetic location: 21q22.3.
Variant type: single nucleotide variant.
Coding change: c.9409C>G on transcript NM_006031.6 (MANE Select); coding-DNA position 9409, C replaced by G.
Protein change: p.Leu3137Val; replaces leucine 3137 with valine.
Molecular consequence: missense variant.
Genome position (GRCh38, 1-based): chr21:46,440,870, C>G. VCF-style: chr21-46440870-C-G. GRCh37 (hg19) VCF-style: chr21-47860783-C-G.
Other names: c.8818C>G, p.Leu2940Val (NM_001315529.2); short protein forms L3137V, L2940V.
Identifiers: ClinVar variation 436237 (VCV000436237.7), dbSNP rs1556007750, ClinGen allele CA410577794.